The following is an entry in ClinVar:

ClinVar aggregate classification (germline): Benign/Likely benign. Review status: criteria provided, multiple submitters, no conflicts (2 of 4 stars). 2 submissions from 2 submitters: Benign (1); Likely benign (1). Last evaluated 2025-01-09.

Conditions:
MSH6-related disorder. Also called: MSH6-related condition; MSH6-Related disorders.
Lynch syndrome 5 (LYNCH5). Also called: Colorectal cancer, hereditary nonpolyposis, type 5; Hereditary non-polyposis colorectal cancer, type 5. Identifiers: Orphanet 144, MedGen C1833477, MONDO:0013710, OMIM 614350. Disease mechanism: loss of function.

Submissions (2):

Myriad Genetics, Inc.
Classification: Benign for Lynch syndrome 5. Last evaluated: 2025-01-09. Review status: criteria provided, single submitter. Criteria: Myriad Autosomal Dominant, Autosomal Recessive and X-Linked Classification Criteria (2023). Collection method: clinical testing. Allele origin: unknown.
Comment: This variant is considered benign. This variant is intronic and is not expected to impact mRNA splicing.

PreventionGenetics, part of Exact Sciences
Classification: Likely benign for MSH6-related condition. Last evaluated: 2024-12-13. Review status: criteria provided, single submitter. Criteria: ACMG Guidelines, 2015. Collection method: clinical testing. Allele origin: germline.
Comment: This variant is classified as likely benign based on ACMG/AMP sequence variant interpretation guidelines (Richards et al. 2015 PMID: 25741868, with internal and published modifications).

NM_000179.3(MSH6):c.4002-30_4002-8dup

Gene: MSH6 (mutS homolog 6; plus strand). Cytogenetic location: 2p16.3.
Variant type: Duplication.
Coding change: c.4002-30_4002-8dup on transcript NM_000179.3 (MANE Select); 30 bases into the intron before coding-DNA position 4002 through 8 bases into the intron before coding-DNA position 4002, 23 bases duplicated (AACTTTTTTTTTTTTTTTTTTAA).
Molecular consequence: intron variant.
Genome position (GRCh38, 1-based): chr2:47,806,749-47,806,771, AACTTTTTTTTTTTTTTTTTTAA duplicated; duplicating any 23 consecutive bases within chr2:47,806,747-47,806,771 gives the same sequence; the c. name uses the placement nearest the transcript's 3' end. VCF-style (leftmost placement, unchanged base first): chr2-47806746-A-AAAAACTTTTTTTTTTTTTTTTTT. GRCh37 (hg19) VCF-style: chr2-48033885-A-AAAAACTTTTTTTTTTTTTTTTTT.
Other names: c.4002-30_4002-8dup23 (NM_000179.2); c.3705-30_3705-8dup (NM_001406830.1, NM_001406805.1, NM_001406797.1 and 8 more transcripts); c.849-30_849-8dup (NM_001406832.1); c.783-30_783-8dup (NM_001406831.1); c.4002-30_4002-8dup (NM_001406809.1, NM_001406796.1); c.3096-30_3096-8dup (NM_001406811.1, NM_001406814.1, NM_001281493.2 and 6 more transcripts); c.4098-30_4098-8dup (NM_001406795.1); c.3898-30_3898-8dup (NM_001406802.1); and 12 more.
Identifiers: ClinVar variation 3904051 (VCV003904051.2).